The following is an entry in ClinVar:

ClinVar aggregate classification (germline): Pathogenic/Likely pathogenic. Review status: criteria provided, multiple submitters, no conflicts (2 of 4 stars). 3 submissions from 3 submitters: Pathogenic (2); Likely pathogenic (1). Last evaluated 2025-07-23.

Conditions:
Familial thoracic aortic aneurysm and aortic dissection (TAAD). Also called: Thoracic aortic aneurysms and dissections. Identifiers: Orphanet 91387, MedGen C4707243, MONDO:0019625.
Marfan syndrome (MFS). Also called: FBN1-Related Marfan Syndrome; Marfan syndrome type 1; Marfan's syndrome; Marfan syndrome, classic; MARFAN SYNDROME, TYPE I. Identifiers: Orphanet 284963, Orphanet 558, MedGen C0024796, MONDO:0007947, OMIM 154700.

Submissions (3):

GeneDx
Classification: Pathogenic. Last evaluated: 2025-07-23. Review status: criteria provided, single submitter. Criteria: GeneDx Variant Classification Process June 2021. Collection method: clinical testing. Allele origin: germline.
Comment: Canonical splice site variant predicted to result in an in-frame loss of the adjacent exon in a gene for which loss of function is a known mechanism of disease; Not observed at significant frequency in large population cohorts (gnomAD); Has not been previously published as pathogenic or benign to our knowledge

Equipe Genetique des Anomalies du Developpement, Université de Bourgogne
Classification: Likely pathogenic for Marfan syndrome. Last evaluated: 2024-09-17. Review status: criteria provided, single submitter. Criteria: ACMG Guidelines, 2015. Collection method: clinical testing. Allele origin: germline. Affected: yes.
Comment: This heterozygous variant appears in the 44th intron and has not been identified in the general population by the Genome Aggregation Database (gnomAD v 4.1.0). It has been reported once in ClinVar as pathogenic (VCV000626595.2), but has not been reported in literature to date. SpliceAI scores are in favor of the conservation of the intron and predict the loss of the default acceptor site and the creation of a new acceptor site upsteam. Monoallelic pathogenic variants in the FBN1 gene are responsible for Marfan syndrome (OMIM #154700). Based on the available evidence, this variant is classified as likely pathogenic according to the ACMG criteria.

CHEO Genetics Diagnostic Laboratory, Children's Hospital of Eastern Ontario
Classification: Pathogenic for Familial thoracic aortic aneurysm and aortic dissection. Last evaluated: 2017-08-18. Review status: criteria provided, single submitter. Criteria: ACMG Guidelines, 2015. Collection method: clinical testing. Allele origin: germline. Study: Canadian Open Genetics Repository.

NM_000138.5(FBN1):c.5423-2A>G

Gene: FBN1 (fibrillin 1; minus strand). Cytogenetic location: 15q21.1.
Variant type: single nucleotide variant.
Coding change: c.5423-2A>G on transcript NM_000138.5 (MANE Select); the canonical splice acceptor site of the intron before coding-DNA position 5423, A replaced by G.
Molecular consequence: splice acceptor variant.
Genome position (GRCh38, 1-based): chr15:48,452,686, T>C on the plus strand (A>G on the coding strand, the complement: FBN1 is on the minus strand). VCF-style: chr15-48452686-T-C. GRCh37 (hg19) VCF-style: chr15-48744883-T-C.
Other names: c.5423-2A>G (NM_001406716.1).
Identifiers: ClinVar variation 626595 (VCV000626595.5), dbSNP rs1566900540, ClinGen allele CA392344503.